The following is an entry in ClinVar:

ClinVar aggregate classification (germline): Uncertain significance (1 of 4 stars; one submission).

Allele frequency attached by ClinVar (database versions not stated): ExAC 0.00001; gnomAD 0.00001; gnomAD exomes 0.00001; TOPMed 0.00001.
gnomAD v4.1: 12 of 1,614,060 alleles (0.00074%); highest among the groups gnomAD compares: Non-Finnish European, 0.00093%; no homozygotes.

Submission:

Labcorp Genetics (formerly Invitae), Labcorp
Classification: Uncertain significance. Last evaluated: 2024-02-17. Review status: criteria provided, single submitter. Criteria: Invitae Variant Classification Sherloc (09022015). Collection method: clinical testing. Allele origin: germline.
Comment: This sequence change replaces alanine, which is neutral and non-polar, with valine, which is neutral and non-polar, at codon 386 of the ABCA4 protein (p.Ala386Val). This variant is present in population databases (rs767034759, gnomAD 0.004%). This variant has not been reported in the literature in individuals affected with ABCA4-related conditions. ClinVar contains an entry for this variant (Variation ID: 1481051). Advanced modeling of protein sequence and biophysical properties (such as structural, functional, and spatial information, amino acid conservation, physicochemical variation, residue mobility, and thermodynamic stability) performed at Invitae indicates that this missense variant is not expected to disrupt ABCA4 protein function with a negative predictive value of 95%. In summary, the available evidence is currently insufficient to determine the role of this variant in disease. Therefore, it has been classified as a Variant of Uncertain Significance.

NM_000350.3(ABCA4):c.1157C>T (p.Ala386Val)

Gene: ABCA4 (ATP binding cassette subfamily A member 4; minus strand). Cytogenetic location: 1p22.1.
Variant type: single nucleotide variant.
Coding change: c.1157C>T on transcript NM_000350.3 (MANE Select); coding-DNA position 1157, C replaced by T.
Protein change: p.Ala386Val; replaces alanine 386 with valine.
Molecular consequence: missense variant.
Genome position (GRCh38, 1-based): chr1:94,079,404, G>A on the plus strand (C>T on the coding strand, the complement: ABCA4 is on the minus strand). VCF-style: chr1-94079404-G-A. GRCh37 (hg19) VCF-style: chr1-94544960-G-A.
Other names: c.1157C>T, p.Ala386Val (NM_001425324.1); short protein forms A386V.
Identifiers: ClinVar variation 1481051 (VCV001481051.5), dbSNP rs767034759, ClinGen allele CA958620.
Genomic context (GRCh38, chr1:94,079,404, plus strand): 5'-GCAGGTGAATCAGGAGTGTACAGGATTTTTCCCATCAGCAAAGGCTTTGCCGCCCTCCAA[G>A]CGATTTTGGTTAAAGGATTTGACTCCAGGCTCTGGATCAATGCATTACAAAAGGATGCTG-3'
Protein context (NP_000341.2, residues 376-396): SLESNPLTKI[Ala386Val]WRAAKPLLMG